The following is an entry in ClinVar:

ClinVar aggregate classification (germline): Conflicting classifications of pathogenicity. Review status: criteria provided, conflicting classifications (1 of 4 stars). 3 submissions from 3 submitters: Uncertain significance (2); Likely benign (1). Last evaluated 2025-04-01.

Allele frequency attached by ClinVar (database versions not stated): gnomAD 0.00001 and 0.00003; TOPMed 0.00002; gnomAD exomes 0.00011 and 0.00021; 1000 Genomes Project 30x 0.00016; 1000 Genomes Project 0.00020; ExAC 0.00031.
gnomAD v4.1: 166 of 1,590,720 alleles (0.01%); highest among the groups gnomAD compares: South Asian, 0.11%; 1 homozygote.

Submissions (3):

CeGaT Center for Human Genetics Tuebingen
Classification: Uncertain significance. Last evaluated: 2025-04-01. Review status: criteria provided, single submitter. Criteria: CeGaT Center For Human Genetics Tuebingen Variant Classification Criteria Version 2. Collection method: clinical testing. Allele origin: germline. Affected: yes. Observed: 2 variant alleles.

GeneDx
Classification: Likely benign. Last evaluated: 2020-10-20. Review status: criteria provided, single submitter. Criteria: GeneDx Variant Classification Process June 2021. Collection method: clinical testing. Allele origin: germline. Affected: yes.

Laboratory for Molecular Medicine, Mass General Brigham Personalized Medicine
Classification: Uncertain significance. Last evaluated: 2015-09-08. Review status: criteria provided, single submitter. Criteria: LMM Criteria. Collection method: clinical testing. Allele origin: germline. Observed: 1 variant allele.
Comment: Variant classified as Uncertain Significance - Favor Benign. The p.Ile332Thr var iant in RDX has not been previously reported in individuals with hearing loss, b ut has been identified in 0.1% (17/11458) of South Asian chromosomes by the Exom e Aggregation Consortium (ExAC; dbSNP rs53310716 4). Although this variant has been seen in the general population, its frequency is not high enough to rule out a pathogenic role. Computational prediction tool s and conservation analysis suggest that the p.Ile332Thr variant may not impact the protein, though this information is not predictive enough to rule out pathog enicity. In summary, while the clinical significance of the p.Ile332Thr variant is uncertain, its frequency in the general population and computational analyses suggest that it is more likely to be benign.

NM_002906.4(RDX):c.995T>C (p.Ile332Thr)

Gene: RDX (radixin; minus strand). Cytogenetic location: 11q22.3.
Variant type: single nucleotide variant.
Coding change: c.995T>C on transcript NM_002906.4 (MANE Select); coding-DNA position 995, T replaced by C.
Protein change: p.Ile332Thr; replaces isoleucine 332 with threonine.
Molecular consequence: missense variant. On other transcripts: 5 prime UTR variant (1), intron variant (1).
Genome position (GRCh38, 1-based): chr11:110,247,798, A>G on the plus strand (T>C on the coding strand, the complement: RDX is on the minus strand). VCF-style: chr11-110247798-A-G. GRCh37 (hg19) VCF-style: chr11-110118523-A-G.
Other names: c.995T>C, p.Ile332Thr (NM_001260492.2, NM_001260493.2); c.587T>C, p.Ile196Thr (NM_001260494.2); c.-47T>C (NM_001260495.2); c.404+10359T>C (NM_001260496.2); short protein forms I332T, I196T.
Identifiers: ClinVar variation 229200 (VCV000229200.38), dbSNP rs533107164, ClinGen allele CA6270162.
Genomic context (GRCh38, chr11:110,247,798, plus strand): 5'-TTTAGACGTTCCATTAGCTCTTCCTTTTCACGTTCTATTCTTTCCTTTTCCTTTTCTGCT[A>G]TTTCTCTTTTCTTCTTTTCATTCTCTAATTGTGCCCTTAAAAGGAATTGCAATTGCTGTT-3'
Protein context (NP_002897.1, residues 322-342): QLENEKKKRE[Ile332Thr]AEKEKERIER